The following is an entry in ClinVar:

Single allele

Gene: DMD (dystrophin; minus strand). Cytogenetic location: Xp21.1.
Variant type: Deletion.
Identifiers: ClinVar variation 1807263 (VCV001807263.1).

ClinVar aggregate classification (germline): Likely pathogenic (1 of 4 stars; one submission).

Submission:

Athena Diagnostics
Classification: Likely pathogenic. Last evaluated: 2021-08-20. Review status: criteria provided, single submitter. Criteria: Athena Diagnostics Criteria. Collection method: clinical testing. Allele origin: unknown.
Comment: This variant is expected to severely disrupt protein function. Similar variants have not been reported in large, multi-ethnic general populations.